The following is an entry in ClinVar:

NM_001458.5(FLNC):c.4296G>A (p.Pro1432=)

Gene: FLNC (filamin C; plus strand). Cytogenetic location: 7q32.1.
Variant type: single nucleotide variant.
Coding change: c.4296G>A on transcript NM_001458.5 (MANE Select); coding-DNA position 4296, G replaced by A.
Protein change: p.Pro1432=; no amino-acid change (proline 1432 retained).
Molecular consequence: synonymous variant.
Genome position (GRCh38, 1-based): chr7:128,847,704, G>A. VCF-style: chr7-128847704-G-A. GRCh37 (hg19) VCF-style: chr7-128487758-G-A.
Other names: p.Pro1432=; c.4296G>A, p.Pro1432= (NM_001127487.2).
Identifiers: ClinVar variation 374624 (VCV000374624.58), dbSNP rs370827536, ClinGen allele CA4475306.
Genomic context (GRCh38, chr7:128,847,704, plus strand): 5'-CAGGGGGACCCATCAGGGCTGGTGGGCAGGGTCTAATGTCCTTCTCCTCACAGGGAGCCC[G>A]TTCCGCGTGCCAGTGAAGGATGTGGTGGACCCTGGGAAGGTGAAGTGCTCAGGGCCAGGG-3'
Protein context (NP_001449.3, residues 1422-1442): TFGGRPIPGS[Pro1432=]FRVPVKDVVD

ClinVar aggregate classification (germline): Likely benign. Review status: criteria provided, multiple submitters, no conflicts (2 of 4 stars). 5 submissions from 5 submitters: Likely benign (5). Last evaluated 2026-04-01.

Conditions:
Myofibrillar myopathy 5. Also called: Filaminopathy (type); FILAMINOPATHY, AUTOSOMAL DOMINANT. Identifiers: Orphanet 171445, MedGen C1836050, MONDO:0012289, OMIM 609524.
Hypertrophic cardiomyopathy 26. Also called: Cardiomyopathy, familial hypertrophic, 26. Identifiers: Orphanet 75249, MedGen C4310749, MONDO:0014883, OMIM 617047.
Distal myopathy with posterior leg and anterior hand involvement. Also called: WILLIAMS DISTAL MYOPATHY. Identifiers: Orphanet 63273, MedGen C3279722, MONDO:0013550, OMIM 614065.
Cardiovascular phenotype. Identifiers: MedGen CN230736.

Allele frequency attached by ClinVar (database versions not stated): gnomAD exomes 0.00004 and 0.00014; ExAC 0.00012; TOPMed 0.00012; gnomAD 0.00013 and 0.00014; ESP Exome Variant Server 0.00016.
gnomAD v4.1: 90 of 1,613,924 alleles (0.0056%); highest among the groups gnomAD compares: African/African-American, 0.019%; no homozygotes.

Submissions (5):

CeGaT Center for Human Genetics Tuebingen
Classification: Likely benign. Last evaluated: 2026-04-01. Review status: criteria provided, single submitter. Criteria: CeGaT Center For Human Genetics Tuebingen Variant Classification Criteria Version 2. Collection method: clinical testing. Allele origin: germline. Affected: yes. Observed: 4 variant alleles.
Comment: FLNC: BP4, BP7

Labcorp Genetics (formerly Invitae), Labcorp
Classification: Likely benign for Distal myopathy with posterior leg and anterior hand involvement; Myofibrillar myopathy 5; Hypertrophic cardiomyopathy 26. Last evaluated: 2026-01-29. Review status: criteria provided, single submitter. Criteria: Invitae Variant Classification Sherloc (09022015). Collection method: clinical testing. Allele origin: germline.

Mayo Clinic Laboratories, Mayo Clinic
Classification: Likely benign. Last evaluated: 2025-08-29. Review status: criteria provided, single submitter. Criteria: ACMG Guidelines, 2015. Collection method: clinical testing. Allele origin: germline. Observed: 1 variant allele.
Comment: BP4, BP7

GeneDx
Classification: Likely benign. Last evaluated: 2020-12-17. Review status: criteria provided, single submitter. Criteria: GeneDx Variant Classification Process June 2021. Collection method: clinical testing. Allele origin: germline. Affected: yes.

Ambry Genetics
Classification: Likely benign for Cardiovascular phenotype. Last evaluated: 2019-10-20. Review status: criteria provided, single submitter. Criteria: Ambry Variant Classification Scheme 2023. Collection method: clinical testing. Allele origin: germline.